The following is an entry in ClinVar:

NM_133261.3(GIPC3):c.75G>T (p.Ser25=)

Gene: GIPC3 (GIPC PDZ domain containing family member 3; plus strand). Cytogenetic location: 19p13.3.
Variant type: single nucleotide variant.
Coding change: c.75G>T on transcript NM_133261.3 (MANE Select); coding-DNA position 75, G replaced by T.
Protein change: p.Ser25=; no amino-acid change (serine 25 retained).
Molecular consequence: synonymous variant.
Genome position (GRCh38, 1-based): chr19:3,585,672, G>T. VCF-style: chr19-3585672-G-T. GRCh37 (hg19) VCF-style: chr19-3585670-G-T.
Identifiers: ClinVar variation 667116 (VCV000667116.5), dbSNP rs1321208549, ClinGen allele CA504967635.

ClinVar aggregate classification (germline): Likely benign (1 of 4 stars; one submission).

Allele frequency attached by ClinVar (database versions not stated): TOPMed below 0.00001; gnomAD exomes 0.00004; gnomAD 0.00001.
gnomAD v4.1: 13 of 1,296,038 alleles (0.001%); highest among the groups gnomAD compares: Non-Finnish European, 0.0012%; no homozygotes.

Submission:

Laboratory for Molecular Medicine, Mass General Brigham Personalized Medicine
Classification: Likely benign. Last evaluated: 2019-02-13. Review status: criteria provided, single submitter. Criteria: LMM Criteria. Collection method: clinical testing. Allele origin: germline. Observed: 1 variant allele.
Comment: The p.Ser25Ser variant in GIPC3 is classified as likely benign because it does not alter an amino acid residue, it is not located within the splice consensus sequence, and splice prediction algorithms do not predict a newly created splice site. ACMG/AMP Criteria applied: BP4, BP7.